The following is an entry in ClinVar:

NM_012233.3(RAB3GAP1):c.2605A>G (p.Arg869Gly)

Gene: RAB3GAP1 (RAB3 GTPase activating protein catalytic subunit 1; plus strand). Cytogenetic location: 2q21.3.
Variant type: single nucleotide variant.
Coding change: c.2605A>G on transcript NM_012233.3 (MANE Select); coding-DNA position 2605, A replaced by G.
Protein change: p.Arg869Gly; replaces arginine 869 with glycine.
Molecular consequence: missense variant.
Genome position (GRCh38, 1-based): chr2:135,163,100, A>G. VCF-style: chr2-135163100-A-G. GRCh37 (hg19) VCF-style: chr2-135920670-A-G.
Other names: c.2605A>G, p.Arg869Gly (NM_001172435.2); c.2605A>G (NM_012233.2); short protein forms R869G.
Identifiers: ClinVar variation 1380972 (VCV001380972.7), dbSNP rs145728829, ClinGen allele CA1885112.

ClinVar aggregate classification (germline): Uncertain significance. Review status: criteria provided, multiple submitters, no conflicts (2 of 4 stars). 2 submissions from 2 submitters: Uncertain significance (2). Last evaluated 2021-08-17.

Conditions:
Inborn genetic diseases. Identifiers: MedGen C0950123, MeSH D030342.

Allele frequency attached by ClinVar (database versions not stated): ExAC 0.00001; gnomAD exomes 0.00001; gnomAD 0.00007 and 0.00008; TOPMed 0.00011; ESP Exome Variant Server 0.00015.
gnomAD v4.1: 19 of 1,607,640 alleles (0.0012%); highest among the groups gnomAD compares: African/African-American, 0.025%; no homozygotes.

Submissions (2):

Ambry Genetics
Classification: Uncertain significance for Inborn genetic diseases. Last evaluated: 2021-08-17. Review status: criteria provided, single submitter. Criteria: Ambry Variant Classification Scheme 2023. Collection method: clinical testing. Allele origin: germline.

Labcorp Genetics (formerly Invitae), Labcorp
Classification: Uncertain significance. Last evaluated: 2021-08-16. Review status: criteria provided, single submitter. Criteria: Invitae Variant Classification Sherloc (09022015). Collection method: clinical testing. Allele origin: germline.
Comment: Algorithms developed to predict the effect of missense changes on protein structure and function are either unavailable or do not agree on the potential impact of this missense change (SIFT: "Deleterious"; PolyPhen-2: "Benign"; Align-GVGD: "Class C0"). In summary, the available evidence is currently insufficient to determine the role of this variant in disease. Therefore, it has been classified as a Variant of Uncertain Significance. Algorithms developed to predict the effect of sequence changes on RNA splicing suggest that this variant may disrupt the consensus splice site. This variant has not been reported in the literature in individuals affected with RAB3GAP1-related conditions. This variant is present in population databases (rs145728829, ExAC 0.01%). This sequence change replaces arginine with glycine at codon 869 of the RAB3GAP1 protein (p.Arg869Gly). The arginine residue is moderately conserved and there is a moderate physicochemical difference between arginine and glycine.